The following is an entry in ClinVar:

NM_031220.4(PITPNM3):c.338A>G (p.His113Arg)

Gene: PITPNM3 (PITPNM family member 3; minus strand). Cytogenetic location: 17p13.2.
Variant type: single nucleotide variant.
Coding change: c.338A>G on transcript NM_031220.4 (MANE Select); coding-DNA position 338, A replaced by G.
Protein change: p.His113Arg; replaces histidine 113 with arginine.
Molecular consequence: missense variant.
Genome position (GRCh38, 1-based): chr17:6,484,229, T>C on the plus strand (A>G on the coding strand, the complement: PITPNM3 is on the minus strand). VCF-style: chr17-6484229-T-C. GRCh37 (hg19) VCF-style: chr17-6387549-T-C.
Other names: c.230A>G, p.His77Arg (NM_001165966.2); short protein forms H113R, H77R.
Identifiers: ClinVar variation 1063245 (VCV001063245.9), dbSNP rs914292834, ClinGen allele CA287323871.

ClinVar aggregate classification (germline): Uncertain significance (1 of 4 stars; one submission).

gnomAD v4.1: 1 of 1,610,516 alleles (0.000062%); no homozygotes.

Submission:

Labcorp Genetics (formerly Invitae), Labcorp
Classification: Uncertain significance. Last evaluated: 2023-07-08. Review status: criteria provided, single submitter. Criteria: Invitae Variant Classification Sherloc (09022015). Collection method: clinical testing. Allele origin: germline.
Comment: In summary, the available evidence is currently insufficient to determine the role of this variant in disease. Therefore, it has been classified as a Variant of Uncertain Significance. Advanced modeling of protein sequence and biophysical properties (such as structural, functional, and spatial information, amino acid conservation, physicochemical variation, residue mobility, and thermodynamic stability) performed at Invitae indicates that this missense variant is not expected to disrupt PITPNM3 protein function. This sequence change replaces histidine, which is basic and polar, with arginine, which is basic and polar, at codon 113 of the PITPNM3 protein (p.His113Arg). This variant is not present in population databases (gnomAD no frequency). This variant has not been reported in the literature in individuals affected with PITPNM3-related conditions. ClinVar contains an entry for this variant (Variation ID: 1063245).